The following is an entry in ClinVar:

ClinVar aggregate classification (germline): Benign/Likely benign. Review status: criteria provided, multiple submitters, no conflicts (2 of 4 stars). 4 submissions from 4 submitters: Benign (2); Likely benign (1). 1 of the submissions does not count toward it. Last evaluated 2026-01-23.

Conditions:
TNFAIP3-related disorder. Also called: TNFAIP3-related condition.

Allele frequency attached by ClinVar (database versions not stated): gnomAD 0.00025; gnomAD exomes 0.00028; ExAC 0.00030; ESP Exome Variant Server 0.00031.
gnomAD v4.1: 607 of 1,613,826 alleles (0.038%); highest among the groups gnomAD compares: Non-Finnish European, 0.043%; no homozygotes.

Submissions (4):

Women's Health and Genetics/Laboratory Corporation of America, LabCorp
Classification: Benign. Last evaluated: 2026-01-23. Review status: criteria provided, single submitter. Criteria: LabCorp Variant Classification Summary - May 2015. Collection method: clinical testing. Allele origin: germline.

Labcorp Genetics (formerly Invitae), Labcorp
Classification: Benign. Last evaluated: 2026-01-19. Review status: criteria provided, single submitter. Criteria: Invitae Variant Classification Sherloc (09022015). Collection method: clinical testing. Allele origin: germline.

Blueprint Genetics
Classification: Likely benign. Last evaluated: 2024-11-07. Review status: criteria provided, single submitter. Criteria: ACMG Guidelines, 2015. Collection method: clinical testing. Allele origin: germline.

PreventionGenetics, part of Exact Sciences
Classification: Likely benign for TNFAIP3-related condition. Last evaluated: 2020-09-30. Review status: no assertion criteria provided. Collection method: clinical testing. Allele origin: germline. Not counted in ClinVar's aggregate classification.
Comment: This variant is classified as likely benign based on ACMG/AMP sequence variant interpretation guidelines (Richards et al. 2015 PMID: 25741868, with internal and published modifications).

NM_001270508.2(TNFAIP3):c.1728G>A (p.Pro576=)

Gene: TNFAIP3 (TNF alpha induced protein 3; plus strand). Cytogenetic location: 6q23.3.
Variant type: single nucleotide variant.
Coding change: c.1728G>A on transcript NM_001270508.2 (MANE Select); coding-DNA position 1728, G replaced by A.
Protein change: p.Pro576=; no amino-acid change (proline 576 retained).
Molecular consequence: synonymous variant.
Genome position (GRCh38, 1-based): chr6:137,879,173, G>A. VCF-style: chr6-137879173-G-A. GRCh37 (hg19) VCF-style: chr6-138200310-G-A.
Other names: c.1728G>A, p.Pro576= (NM_001270507.2, NM_006290.4); c.1728G>A (NM_006290.3).
Identifiers: ClinVar variation 1599397 (VCV001599397.12), dbSNP rs140120540, ClinGen allele CA4019689.